The following is an entry in ClinVar:

ClinVar aggregate classification (germline): Likely benign (1 of 4 stars; one submission).

Submission:

CeGaT Center for Human Genetics Tuebingen
Classification: Likely benign. Last evaluated: 2026-06-01. Review status: criteria provided, single submitter. Criteria: CeGaT Center For Human Genetics Tuebingen Variant Classification Criteria Version 2. Collection method: clinical testing. Allele origin: germline. Affected: yes. Observed: 1 variant allele.
Comment: TXNRD2: PM2:Supporting, BP4, BP7

NM_006440.5(TXNRD2):c.1038G>T (p.Arg346=)

Gene: TXNRD2 (thioredoxin reductase 2; minus strand). Cytogenetic location: 22q11.21.
Variant type: single nucleotide variant.
Coding change: c.1038G>T on transcript NM_006440.5 (MANE Select); coding-DNA position 1038, G replaced by T.
Protein change: p.Arg346=; no amino-acid change (arginine 346 retained).
Molecular consequence: synonymous variant. On other transcripts: non-coding transcript variant (1).
Genome position (GRCh38, 1-based): chr22:19,883,373, C>A on the plus strand (G>T on the coding strand, the complement: TXNRD2 is on the minus strand). VCF-style: chr22-19883373-C-A. GRCh37 (hg19) VCF-style: chr22-19870896-C-A.
Other names: c.1035G>T, p.Arg345= (NM_001352300.2); c.948G>T, p.Arg316= (NM_001352301.2); c.750G>T, p.Arg250= (NM_001352302.2).
Identifiers: ClinVar variation 4875129 (VCV004875129.2).
Genomic context (GRCh38, chr22:19,883,373, plus strand): 5'-CGCATGCCGTACCTCCACCACGTCACCAATGGCGTAGATGTGGGGCACAGAGGTGGCTTC[C>A]CGGGAGTCCACCAGGATCTTCTGAGTGTCGGGGCTAGTATCTACCCCAGCCTTCTCCAAA-3'
Protein context (NP_006431.2, residues 336-356): PDTQKILVDS[Arg346=]EATSVPHIYA